The following is an entry in ClinVar:

NM_002137.4(HNRNPA2B1):c.700G>A (p.Gly234Arg)

Gene: HNRNPA2B1 (heterogeneous nuclear ribonucleoprotein A2/B1; minus strand). Cytogenetic location: 7p15.2.
Variant type: single nucleotide variant.
Coding change: c.700G>A on transcript NM_002137.4 (MANE Select); coding-DNA position 700, G replaced by A.
Protein change: p.Gly234Arg; replaces glycine 234 with arginine.
Molecular consequence: missense variant.
Genome position (GRCh38, 1-based): chr7:26,195,868, C>T on the plus strand (G>A on the coding strand, the complement: HNRNPA2B1 is on the minus strand). VCF-style: chr7-26195868-C-T. GRCh37 (hg19) VCF-style: chr7-26235488-C-T.
Other names: c.736G>A, p.Gly246Arg (NM_031243.4); short protein forms G246R, G234R.
Identifiers: ClinVar variation 1485729 (VCV001485729.8), dbSNP rs2128119149, ClinGen allele CA367077159.

ClinVar aggregate classification (germline): Uncertain significance (1 of 4 stars; one submission).

Conditions:
Inclusion body myopathy with early-onset Paget disease with or without frontotemporal dementia 2 (IBMPFD2). Also called: MULTISYSTEM PROTEINOPATHY 2. Identifiers: MedGen C3809468, MONDO:0014178, OMIM 615422.

Submission:

Labcorp Genetics (formerly Invitae), Labcorp
Classification: Uncertain significance for Inclusion body myopathy with early-onset Paget disease with or without frontotemporal dementia 2. Last evaluated: 2022-07-19. Review status: criteria provided, single submitter. Criteria: Invitae Variant Classification Sherloc (09022015). Collection method: clinical testing. Allele origin: germline.
Comment: In summary, the available evidence is currently insufficient to determine the role of this variant in disease. Therefore, it has been classified as a Variant of Uncertain Significance. Algorithms developed to predict the effect of sequence changes on RNA splicing suggest that this variant may create or strengthen a splice site. Algorithms developed to predict the effect of missense changes on protein structure and function are either unavailable or do not agree on the potential impact of this missense change (SIFT: "Deleterious"; PolyPhen-2: "Not Available"; Align-GVGD: "Class C65"). ClinVar contains an entry for this variant (Variation ID: 1485729). This variant has not been reported in the literature in individuals affected with HNRNPA2B1-related conditions. This variant is not present in population databases (gnomAD no frequency). This sequence change replaces glycine, which is neutral and non-polar, with arginine, which is basic and polar, at codon 246 of the HNRNPA2B1 protein (p.Gly246Arg).